The following is an entry in ClinVar:

NM_001211.6(BUB1B):c.1220T>A (p.Val407Glu)

Gene: BUB1B (BUB1 mitotic checkpoint serine/threonine kinase B; plus strand). Cytogenetic location: 15q15.1.
Variant type: single nucleotide variant.
Coding change: c.1220T>A on transcript NM_001211.6 (MANE Select); coding-DNA position 1220, T replaced by A.
Protein change: p.Val407Glu; replaces valine 407 with glutamic acid.
Molecular consequence: missense variant.
Genome position (GRCh38, 1-based): chr15:40,196,706, T>A. VCF-style: chr15-40196706-T-A. GRCh37 (hg19) VCF-style: chr15-40488907-T-A.
Other names: short protein forms V407E.
Identifiers: ClinVar variation 3221336 (VCV003221336.1), dbSNP rs750703763, ClinGen allele CA391687480.

ClinVar aggregate classification (germline): Uncertain significance (1 of 4 stars; one submission).

Conditions:
Inborn genetic diseases. Identifiers: MedGen C0950123, MeSH D030342.

Submission:

Ambry Genetics
Classification: Uncertain significance for Inborn genetic diseases. Last evaluated: 2024-02-09. Review status: criteria provided, single submitter. Criteria: Ambry Variant Classification Scheme 2023. Collection method: clinical testing. Allele origin: germline.
Comment: The p.V407E variant (also known as c.1220T>A), located in coding exon 9 of the BUB1B gene, results from a T to A substitution at nucleotide position 1220. The valine at codon 407 is replaced by glutamic acid, an amino acid with dissimilar properties. This amino acid position is conserved. In addition, the in silico prediction for this alteration is inconclusive. Based on the available evidence, the clinical significance of this alteration remains unclear.